The following is an entry in ClinVar:

ClinVar aggregate classification (germline): Uncertain significance (1 of 4 stars; one submission).

gnomAD v4.1: 19 of 1,612,768 alleles (0.0012%); highest among the groups gnomAD compares: Middle Eastern, 0.033%; no homozygotes.

Submission:

Labcorp Genetics (formerly Invitae), Labcorp
Classification: Uncertain significance. Last evaluated: 2024-07-16. Review status: criteria provided, single submitter. Criteria: Invitae Variant Classification Sherloc (09022015). Collection method: clinical testing. Allele origin: germline.
Comment: This sequence change replaces serine, which is neutral and polar, with leucine, which is neutral and non-polar, at codon 492 of the MKL1 protein (p.Ser492Leu). This variant is present in population databases (rs199908950, gnomAD 0.006%). This variant has not been reported in the literature in individuals affected with MKL1-related conditions. An algorithm developed to predict the effect of missense changes on protein structure and function (PolyPhen-2) suggests that this variant is likely to be disruptive. In summary, the available evidence is currently insufficient to determine the role of this variant in disease. Therefore, it has been classified as a Variant of Uncertain Significance.

NM_020831.6(MRTFA):c.1775C>T (p.Ser592Leu)

Gene: MRTFA (myocardin related transcription factor A; minus strand). Cytogenetic location: 22q13.1.
Variant type: single nucleotide variant.
Coding change: c.1775C>T on transcript NM_020831.6 (MANE Select); coding-DNA position 1775, C replaced by T.
Protein change: p.Ser592Leu; replaces serine 592 with leucine.
Molecular consequence: missense variant.
Genome position (GRCh38, 1-based): chr22:40,418,963, G>A on the plus strand (C>T on the coding strand, the complement: MRTFA is on the minus strand). VCF-style: chr22-40418963-G-A. GRCh37 (hg19) VCF-style: chr22-40814967-G-A.
Other names: c.1475C>T, p.Ser492Leu (NM_001282660.2); c.1625C>T, p.Ser542Leu (NM_001282661.3); c.1775C>T, p.Ser592Leu (NM_001282662.3); c.1580C>T, p.Ser527Leu (NM_001318139.2); short protein forms S527L, S492L, S542L, S592L.
Identifiers: ClinVar variation 3699427 (VCV003699427.2).